The following is an entry in ClinVar:

ClinVar aggregate classification (germline): Likely benign. Review status: criteria provided, multiple submitters, no conflicts (2 of 4 stars). 2 submissions from 2 submitters: Likely benign (2). Last evaluated 2023-08-01.

Allele frequency attached by ClinVar (database versions not stated): TOPMed below 0.00001; gnomAD 0.00001.
gnomAD v4.1: 15 of 1,613,990 alleles (0.00093%); highest among the groups gnomAD compares: Non-Finnish European, 0.0011%; no homozygotes.

Submissions (2):

CeGaT Center for Human Genetics Tuebingen
Classification: Likely benign. Last evaluated: 2023-08-01. Review status: criteria provided, single submitter. Criteria: CeGaT Center For Human Genetics Tuebingen Variant Classification Criteria Version 2. Collection method: clinical testing. Allele origin: germline. Affected: yes. Observed: 1 variant allele.
Comment: ESCO2: BP4, BP7

Labcorp Genetics (formerly Invitae), Labcorp
Classification: Likely benign. Last evaluated: 2022-05-05. Review status: criteria provided, single submitter. Criteria: Invitae Variant Classification Sherloc (09022015). Collection method: clinical testing. Allele origin: germline.

NM_001017420.3(ESCO2):c.1290A>T (p.Ala430=)

Gene: ESCO2 (establishment of sister chromatid cohesion N-acetyltransferase 2; plus strand). Cytogenetic location: 8p21.1.
Variant type: single nucleotide variant.
Coding change: c.1290A>T on transcript NM_001017420.3 (MANE Select); coding-DNA position 1290, A replaced by T.
Protein change: p.Ala430=; no amino-acid change (alanine 430 retained).
Molecular consequence: synonymous variant.
Genome position (GRCh38, 1-based): chr8:27,791,989, A>T. VCF-style: chr8-27791989-A-T. GRCh37 (hg19) VCF-style: chr8-27649506-A-T.
Identifiers: ClinVar variation 1580196 (VCV001580196.32), dbSNP rs1484516561, ClinGen allele CA460060419.